The following is an entry in ClinVar:

ClinVar aggregate classification (germline): Uncertain significance (1 of 4 stars; one submission).

Conditions:
Holoprosencephaly 11 (HPE11). Identifiers: Orphanet 2162, MedGen C3280215, MONDO:0013642, OMIM 614226.

Submission:

Labcorp Genetics (formerly Invitae), Labcorp
Classification: Uncertain significance for Holoprosencephaly 11. Last evaluated: 2022-08-20. Review status: criteria provided, single submitter. Criteria: Invitae Variant Classification Sherloc (09022015). Collection method: clinical testing. Allele origin: germline.
Comment: This variant has not been reported in the literature in individuals affected with CDON-related conditions. Algorithms developed to predict the effect of missense changes on protein structure and function are either unavailable or do not agree on the potential impact of this missense change (SIFT: "Tolerated"; PolyPhen-2: "Possibly Damaging"; Align-GVGD: "Class C0"). In summary, the available evidence is currently insufficient to determine the role of this variant in disease. Therefore, it has been classified as a Variant of Uncertain Significance. This variant is not present in population databases (gnomAD no frequency). This sequence change replaces glutamic acid, which is acidic and polar, with aspartic acid, which is acidic and polar, at codon 184 of the CDON protein (p.Glu184Asp).

NM_001378964.1(CDON):c.552G>C (p.Glu184Asp)

Gene: CDON (cell adhesion associated, oncogene regulated; minus strand). Cytogenetic location: 11q24.2.
Variant type: single nucleotide variant.
Coding change: c.552G>C on transcript NM_001378964.1 (MANE Select); coding-DNA position 552, G replaced by C.
Protein change: p.Glu184Asp; replaces glutamic acid 184 with aspartic acid.
Molecular consequence: missense variant.
Genome position (GRCh38, 1-based): chr11:126,018,418, C>G on the plus strand (G>C on the coding strand, the complement: CDON is on the minus strand). VCF-style: chr11-126018418-C-G. GRCh37 (hg19) VCF-style: chr11-125888313-C-G.
Other names: c.552G>C, p.Glu184Asp (NM_001243597.3, NM_016952.6); short protein forms E184D.
Identifiers: ClinVar variation 1717172 (VCV001717172.5), dbSNP rs2497243185, ClinGen allele CA383211353.